The following is an entry in ClinVar:

ClinVar aggregate classification (germline): Pathogenic (1 of 4 stars; one submission).

Conditions:
Peroxisome biogenesis disorder 9B. Also called: PEX7-Related Refsum Disease; PEROXISOME BIOGENESIS DISORDER, PEX7-RELATED, ATYPICAL; Refsum disease, adult, 2. Identifiers: Orphanet 773, MedGen C2749346, MONDO:0013945, OMIM 614879.

Submission:

Labcorp Genetics (formerly Invitae), Labcorp
Classification: Pathogenic for Peroxisome biogenesis disorder 9B. Last evaluated: 2023-12-03. Review status: criteria provided, single submitter. Criteria: Invitae Variant Classification Sherloc (09022015). Collection method: clinical testing. Allele origin: unknown.
Comment: This variant results in the deletion of exon 5 and part of exon 4 (c.363_526+230del) of the PEX7 gene. It is expected to disrupt RNA splicing. Variants that disrupt the donor or acceptor splice site typically lead to a loss of protein function (PMID: 16199547), and loss-of-function variants in PEX7 are known to be pathogenic (PMID: 12325024, 12522768, 20301447). This variant has not been reported in the literature in individuals affected with PEX7-related conditions. ClinVar contains an entry for this variant (Variation ID: 659636). This variant disrupts a region of the PEX7 protein in which other variant(s) (p.Gly124_Ser132del) have been determined to be pathogenic (PMID: 11781871). This suggests that this is a clinically significant region of the protein, and that variants that disrupt it are likely to be disease-causing. For these reasons, this variant has been classified as Pathogenic.

Literature cited by the submitters: PubMed 16199547; PubMed 12325024; PubMed 12522768; PubMed 20301447; PubMed 11781871.

NC_000006.11:g.(?_137166776)_(137167549_?)del

Gene: PEX7 (peroxisomal biogenesis factor 7; plus strand). Cytogenetic location: 6q23.3.
Variant type: Deletion.
Identifiers: ClinVar variation 3246076 (VCV003246076.1).